The following is an entry in ClinVar:

ClinVar aggregate classification (germline): Conflicting classifications of pathogenicity. Review status: criteria provided, conflicting classifications (1 of 4 stars). 2 submissions from 2 submitters: Uncertain significance (1); Benign (1). Last evaluated 2024-10-21.

Conditions:
Intellectual developmental disorder, autosomal dominant 6, with or without seizures. Also called: GRIN2B-related developmental delay, intellectual disability and autism spectrum disorder; Intellectual disability, autosomal dominant 6. Identifiers: Orphanet 589547, MedGen C3151411, MONDO:0013509, OMIM 613970.
Developmental and epileptic encephalopathy, 27 (DEE27). Also called: GRIN2B-Related Neurodevelopmental Disorder; Epileptic encephalopathy, early infantile, 27. Identifiers: Orphanet 3451, MedGen C4015316, MONDO:0014505, OMIM 616139.

Allele frequency attached by ClinVar (database versions not stated): gnomAD 0.00001; ExAC 0.00002; gnomAD exomes below 0.00001 and 0.00002; TOPMed 0.00002.
gnomAD v4.1: 7 of 1,578,394 alleles (0.00044%); highest among the groups gnomAD compares: Admixed American, 0.0033%; no homozygotes.

Submissions (2):

Labcorp Genetics (formerly Invitae), Labcorp
Classification: Benign for Developmental and epileptic encephalopathy, 27; Intellectual developmental disorder, autosomal dominant 6, with or without seizures. Last evaluated: 2024-10-21. Review status: criteria provided, single submitter. Criteria: Invitae Variant Classification Sherloc (09022015). Collection method: clinical testing. Allele origin: germline.

Women's Health and Genetics/Laboratory Corporation of America, LabCorp
Classification: Uncertain significance. Last evaluated: 2024-01-23. Review status: criteria provided, single submitter. Criteria: LabCorp Variant Classification Summary - May 2015. Collection method: clinical testing. Allele origin: germline.
Comment: Variant summary: GRIN2B c.998A>G (p.Asn333Ser) results in a conservative amino acid change located in the Receptor, ligand binding region (IPR001828) of the encoded protein sequence. Four of five in-silico tools predict a benign effect of the variant on protein function. The variant allele was found at a frequency of 1.6e-05 in 251224 control chromosomes. The available data on variant occurrences in the general population are insufficient to allow any conclusion about variant significance. c.998A>G has been reported in the literature in at least two individuals affected with autism spectrum disorder (e.g. Guo_2018). This report does not provide unequivocal conclusions about association of the variant with Mental Retardation, Autosomal Dominant 6. To our knowledge, no experimental evidence demonstrating an impact on protein function has been reported. The following publication has been ascertained in the context of this evaluation (PMID: 30564305). ClinVar contains an entry for this variant (Variation ID: 1614677). Based on the evidence outlined above, the variant was classified as uncertain significance.

Literature cited by the submitters: PubMed 30564305 (cited by Women's Health and Genetics/Laboratory Corporation of America, LabCorp).

NM_000834.5(GRIN2B):c.998A>G (p.Asn333Ser)

Gene: GRIN2B (glutamate ionotropic receptor NMDA type subunit 2B; minus strand). Cytogenetic location: 12p13.1.
Variant type: single nucleotide variant.
Coding change: c.998A>G on transcript NM_000834.5 (MANE Select); coding-DNA position 998, A replaced by G.
Protein change: p.Asn333Ser; replaces asparagine 333 with serine.
Molecular consequence: missense variant.
Genome position (GRCh38, 1-based): chr12:13,753,329, T>C on the plus strand (A>G on the coding strand, the complement: GRIN2B is on the minus strand). VCF-style: chr12-13753329-T-C. GRCh37 (hg19) VCF-style: chr12-13906263-T-C.
Other names: short protein forms N333S.
Identifiers: ClinVar variation 1614677 (VCV001614677.9), dbSNP rs748965398, ClinGen allele CA6461345.